The following is an entry in ClinVar:

ClinVar aggregate classification (germline): Uncertain significance. Review status: criteria provided, multiple submitters, no conflicts (2 of 4 stars). 2 submissions from 2 submitters: Uncertain significance (2). Last evaluated 2025-11-09.

Conditions:
Hereditary cancer-predisposing syndrome. Also called: Hereditary neoplastic syndrome; Tumor predisposition; Neoplastic Syndromes, Hereditary; Hereditary Cancer Syndrome. Identifiers: Orphanet 140162, MedGen C0027672, MeSH D009386, MONDO:0015356.
Gorlin syndrome. Also called: Basal cell nevus syndrome; Nevoid Basal Cell Carcinoma Syndrome. Identifiers: Orphanet 377, MedGen C0004779, MONDO:0007187.
Medulloblastoma (MDB). Also called: MEDULLOBLASTOMA PREDISPOSITION SYNDROME; Medulloblastoma, somatic. Identifiers: Orphanet 616, MedGen C0025149, MeSH D008527, MONDO:0007959, OMIM 155255, HP:0002885.

gnomAD v4.1: 13 of 1,614,252 alleles (0.00081%); highest among the groups gnomAD compares: Middle Eastern, 0.033%; no homozygotes.

Submissions (2):

Labcorp Genetics (formerly Invitae), Labcorp
Classification: Uncertain significance for Gorlin syndrome; Medulloblastoma. Last evaluated: 2025-11-09. Review status: criteria provided, single submitter. Criteria: Invitae Variant Classification Sherloc (09022015). Collection method: clinical testing. Allele origin: germline.
Comment: This sequence change replaces methionine, which is neutral and non-polar, with isoleucine, which is neutral and non-polar, at codon 443 of the SUFU protein (p.Met443Ile). This variant is not present in population databases (gnomAD no frequency). This variant has not been reported in the literature in individuals affected with SUFU-related conditions. ClinVar contains an entry for this variant (Variation ID: 952283). Invitae Evidence Modeling of protein sequence and biophysical properties (such as structural, functional, and spatial information, amino acid conservation, physicochemical variation, residue mobility, and thermodynamic stability) indicates that this missense variant is not expected to disrupt SUFU protein function with a negative predictive value of 80%. In summary, the available evidence is currently insufficient to determine the role of this variant in disease. Therefore, it has been classified as a Variant of Uncertain Significance.

Ambry Genetics
Classification: Uncertain significance for Hereditary cancer-predisposing syndrome. Last evaluated: 2024-11-16. Review status: criteria provided, single submitter. Criteria: Ambry Variant Classification Scheme 2023. Collection method: clinical testing. Allele origin: germline.
Comment: The p.M443I variant (also known as c.1329G>T), located in coding exon 11 of the SUFU gene, results from a G to T substitution at nucleotide position 1329. The methionine at codon 443 is replaced by isoleucine, an amino acid with highly similar properties. This amino acid position is highly conserved in available vertebrate species. In addition, the in silico prediction for this alteration is inconclusive. Since supporting evidence is limited at this time, the clinical significance of this alteration remains unclear.

NM_016169.4(SUFU):c.1329G>T (p.Met443Ile)

Gene: SUFU (SUFU negative regulator of hedgehog signaling; plus strand). Cytogenetic location: 10q24.32.
Variant type: single nucleotide variant.
Coding change: c.1329G>T on transcript NM_016169.4 (MANE Select); coding-DNA position 1329, G replaced by T.
Protein change: p.Met443Ile; replaces methionine 443 with isoleucine.
Molecular consequence: missense variant.
Genome position (GRCh38, 1-based): chr10:102,627,207, G>T. VCF-style: chr10-102627207-G-T. GRCh37 (hg19) VCF-style: chr10-104386964-G-T.
Other names: short protein forms M443I.
Identifiers: ClinVar variation 952283 (VCV000952283.13), dbSNP rs773805575, ClinGen allele CA377918791.